The following is an entry in ClinVar:

NM_001330677.2(TBX15):c.1544A>T (p.Tyr515Phe)

Gene: TBX15 (T-box transcription factor 15; minus strand). Cytogenetic location: 1p12.
Variant type: single nucleotide variant.
Coding change: c.1544A>T on transcript NM_001330677.2 (MANE Select); coding-DNA position 1544, A replaced by T.
Protein change: p.Tyr515Phe; replaces tyrosine 515 with phenylalanine.
Molecular consequence: missense variant.
Genome position (GRCh38, 1-based): chr1:118,884,997, T>A on the plus strand (A>T on the coding strand, the complement: TBX15 is on the minus strand). VCF-style: chr1-118884997-T-A. GRCh37 (hg19) VCF-style: chr1-119427620-T-A.
Other names: c.1226A>T, p.Tyr409Phe (NM_152380.3); c.1226A>T (NM_152380.2); short protein forms Y515F, Y409F.
Identifiers: ClinVar variation 1395107 (VCV001395107.9), dbSNP rs770084912, ClinGen allele CA1034822.

ClinVar aggregate classification (germline): Uncertain significance. Review status: criteria provided, multiple submitters, no conflicts (2 of 4 stars). 2 submissions from 2 submitters: Uncertain significance (2). Last evaluated 2025-08-08.

Conditions:
Inborn genetic diseases. Identifiers: MedGen C0950123, MeSH D030342.

Allele frequency attached by ClinVar (database versions not stated): gnomAD exomes 0.00001; ExAC 0.00002.

Submissions (2):

Ambry Genetics
Classification: Uncertain significance for Inborn genetic diseases. Last evaluated: 2025-08-08. Review status: criteria provided, single submitter. Criteria: Ambry Variant Classification Scheme 2023. Collection method: clinical testing. Allele origin: germline.

Labcorp Genetics (formerly Invitae), Labcorp
Classification: Uncertain significance. Last evaluated: 2024-11-11. Review status: criteria provided, single submitter. Criteria: Invitae Variant Classification Sherloc (09022015). Collection method: clinical testing. Allele origin: germline.
Comment: This sequence change replaces tyrosine, which is neutral and polar, with phenylalanine, which is neutral and non-polar, at codon 409 of the TBX15 protein (p.Tyr409Phe). This variant is present in population databases (rs770084912, gnomAD 0.003%). This variant has not been reported in the literature in individuals affected with TBX15-related conditions. ClinVar contains an entry for this variant (Variation ID: 1395107). Invitae Evidence Modeling of protein sequence and biophysical properties (such as structural, functional, and spatial information, amino acid conservation, physicochemical variation, residue mobility, and thermodynamic stability) indicates that this missense variant is not expected to disrupt TBX15 protein function with a negative predictive value of 80%. In summary, the available evidence is currently insufficient to determine the role of this variant in disease. Therefore, it has been classified as a Variant of Uncertain Significance.